The following is an entry in ClinVar:

NM_015909.4(NBAS):c.5822C>G (p.Ala1941Gly)

Gene: NBAS (NBAS subunit of NRZ tethering complex; minus strand). Cytogenetic location: 2p24.3.
Variant type: single nucleotide variant.
Coding change: c.5822C>G on transcript NM_015909.4 (MANE Select); coding-DNA position 5822, C replaced by G.
Protein change: p.Ala1941Gly; replaces alanine 1941 with glycine.
Molecular consequence: missense variant. On other transcripts: non-coding transcript variant (1).
Genome position (GRCh38, 1-based): chr2:15,238,589, G>C on the plus strand (C>G on the coding strand, the complement: NBAS is on the minus strand). VCF-style: chr2-15238589-G-C. GRCh37 (hg19) VCF-style: chr2-15378713-G-C.
Other names: c.5822C>G (NM_015909.2); short protein forms A1941G.
Identifiers: ClinVar variation 1378404 (VCV001378404.6), dbSNP rs370974818, ClinGen allele CA1535189.

ClinVar aggregate classification (germline): Uncertain significance. Review status: criteria provided, multiple submitters, no conflicts (2 of 4 stars). 2 submissions from 2 submitters: Uncertain significance (2). Last evaluated 2023-04-26.

Conditions:
Inborn genetic diseases. Identifiers: MedGen C0950123, MeSH D030342.

Allele frequency attached by ClinVar (database versions not stated): ExAC 0.00001; ESP Exome Variant Server 0.00008.
gnomAD v4.1: 12 of 1,613,718 alleles (0.00074%); highest among the groups gnomAD compares: Non-Finnish European, 0.001%; no homozygotes.

Submissions (2):

Ambry Genetics
Classification: Uncertain significance for Inborn genetic diseases. Last evaluated: 2023-04-26. Review status: criteria provided, single submitter. Criteria: Ambry Variant Classification Scheme 2023. Collection method: clinical testing. Allele origin: germline.

Labcorp Genetics (formerly Invitae), Labcorp
Classification: Uncertain significance. Last evaluated: 2022-10-16. Review status: criteria provided, single submitter. Criteria: Invitae Variant Classification Sherloc (09022015). Collection method: clinical testing. Allele origin: germline.
Comment: This sequence change replaces alanine, which is neutral and non-polar, with glycine, which is neutral and non-polar, at codon 1941 of the NBAS protein (p.Ala1941Gly). This variant is present in population databases (rs370974818, gnomAD 0.003%). This variant has not been reported in the literature in individuals affected with NBAS-related conditions. ClinVar contains an entry for this variant (Variation ID: 1378404). Advanced modeling of protein sequence and biophysical properties (such as structural, functional, and spatial information, amino acid conservation, physicochemical variation, residue mobility, and thermodynamic stability) performed at Invitae indicates that this missense variant is not expected to disrupt NBAS protein function. In summary, the available evidence is currently insufficient to determine the role of this variant in disease. Therefore, it has been classified as a Variant of Uncertain Significance.